The following is an entry in ClinVar:

NM_001365999.1(SZT2):c.7036T>C (p.Ser2346Pro)

Gene: SZT2 (SZT2 subunit of KICSTOR complex; plus strand). Cytogenetic location: 1p34.2.
Variant type: single nucleotide variant.
Coding change: c.7036T>C on transcript NM_001365999.1 (MANE Select); coding-DNA position 7036, T replaced by C.
Protein change: p.Ser2346Pro; replaces serine 2346 with proline.
Molecular consequence: missense variant.
Genome position (GRCh38, 1-based): chr1:43,439,763, T>C. VCF-style: chr1-43439763-T-C. GRCh37 (hg19) VCF-style: chr1-43905434-T-C.
Other names: c.6865T>C, p.Ser2289Pro (NM_015284.4); short protein forms S2346P, S2289P.
Identifiers: ClinVar variation 941708 (VCV000941708.7), dbSNP rs749374596, ClinGen allele CA810088.
Genomic context (GRCh38, chr1:43,439,763, plus strand): 5'-CGAGAGGAGGAATTTGAGCAACTGACCCAGGTCATCCGCTGCCCGGTTGTTGTGGACAGT[T>C]CTTCAGGTGGGACAGCTTGGTCAGAGGATGAGGTGTTCAGTTATTGCTGTGGGAGGTAAG-3'
Protein context (NP_001352928.1, residues 2336-2356): VIRCPVVVDS[Ser2346Pro]SAQNGAPRLR

ClinVar aggregate classification (germline): Uncertain significance. Review status: criteria provided, multiple submitters, no conflicts (2 of 4 stars). 3 submissions from 3 submitters: Uncertain significance (3). Last evaluated 2023-05-08.

Conditions:
Developmental and epileptic encephalopathy, 18 (DEE18). Also called: Early infantile epileptic encephalopathy 18. Identifiers: Orphanet 369894, MedGen C3809624, MONDO:0014201, OMIM 615476.
Inborn genetic diseases. Identifiers: MedGen C0950123, MeSH D030342.

Allele frequency attached by ClinVar (database versions not stated): ExAC 0.00001; gnomAD 0.00001; gnomAD exomes 0.00001 and 0.00002; TOPMed 0.00002.
gnomAD v4.1: 39 of 1,587,968 alleles (0.0025%); highest among the groups gnomAD compares: Non-Finnish European, 0.003%; no homozygotes.

Submissions (3):

Ambry Genetics
Classification: Uncertain significance for Inborn genetic diseases. Last evaluated: 2023-05-08. Review status: criteria provided, single submitter. Criteria: Ambry Variant Classification Scheme 2023. Collection method: clinical testing. Allele origin: germline.

Genome-Nilou Lab
Classification: Uncertain significance for Developmental and epileptic encephalopathy, 18. Last evaluated: 2023-04-11. Review status: criteria provided, single submitter. Criteria: ACMG Guidelines, 2015. Collection method: clinical testing. Allele origin: germline. Affected: no.

Labcorp Genetics (formerly Invitae), Labcorp
Classification: Uncertain significance. Last evaluated: 2021-10-22. Review status: criteria provided, single submitter. Criteria: Invitae Variant Classification Sherloc (09022015). Collection method: clinical testing. Allele origin: germline.
Comment: This sequence change replaces serine with proline at codon 2289 of the SZT2 protein (p.Ser2289Pro). The serine residue is highly conserved and there is a moderate physicochemical difference between serine and proline. This variant is present in population databases (rs749374596, ExAC 0.002%). This variant has not been reported in the literature in individuals affected with SZT2-related conditions. Algorithms developed to predict the effect of missense changes on protein structure and function output the following: SIFT: "Tolerated"; PolyPhen-2: "Benign"; Align-GVGD: "Class C0". The proline amino acid residue is found in multiple mammalian species, which suggests that this missense change does not adversely affect protein function. In summary, the available evidence is currently insufficient to determine the role of this variant in disease. Therefore, it has been classified as a Variant of Uncertain Significance.